The following is an entry in ClinVar:

ClinVar aggregate classification (germline): Conflicting classifications of pathogenicity. Review status: criteria provided, conflicting classifications (1 of 4 stars). 4 submissions from 4 submitters: Uncertain significance (1); Benign (1); Likely benign (2). Last evaluated 2026-09-29.

Conditions:
Primary ciliary dyskinesia. Also called: Ciliary dyskinesia. Identifiers: Orphanet 244, MedGen C0008780, MONDO:0016575, HP:0012265.

Allele frequency attached by ClinVar (database versions not stated): gnomAD 0.00172 and 0.00189; 1000 Genomes Project 30x 0.00265; TOPMed 0.00175; ESP Exome Variant Server 0.00176; 1000 Genomes Project 0.00180.
gnomAD v4.1: 471 of 1,611,776 alleles (0.029%); highest among the groups gnomAD compares: African/African-American, 0.53%; no homozygotes.

Submissions (4):

GeneDx
Classification: Uncertain significance. Last evaluated: 2026-09-29. Review status: criteria provided, single submitter. Criteria: GeneDx Variant Classification Process June 2021. Collection method: clinical testing. Allele origin: germline.
Comment: In silico analysis suggests that this missense variant does not alter protein structure/function; Has not been previously published as pathogenic or benign to our knowledge

Labcorp Genetics (formerly Invitae), Labcorp
Classification: Likely benign for Primary ciliary dyskinesia. Last evaluated: 2026-02-01. Review status: criteria provided, single submitter. Criteria: Invitae Variant Classification Sherloc (09022015). Collection method: clinical testing. Allele origin: germline.

Blueprint Genetics
Classification: Likely benign. Last evaluated: 2024-10-08. Review status: criteria provided, single submitter. Criteria: ACMG Guidelines, 2015. Collection method: clinical testing. Allele origin: germline.

Ambry Genetics
Classification: Benign for Primary ciliary dyskinesia. Last evaluated: 2016-10-14. Review status: criteria provided, single submitter. Criteria: Ambry Variant Classification Scheme 2023. Collection method: clinical testing. Allele origin: germline.

NM_001277115.2(DNAH11):c.3870G>C (p.Glu1290Asp)

Gene: DNAH11 (dynein axonemal heavy chain 11; plus strand). Cytogenetic location: 7p15.3.
Variant type: single nucleotide variant.
Coding change: c.3870G>C on transcript NM_001277115.2 (MANE Select); coding-DNA position 3870, G replaced by C.
Protein change: p.Glu1290Asp; replaces glutamic acid 1290 with aspartic acid.
Molecular consequence: missense variant.
Genome position (GRCh38, 1-based): chr7:21,615,131, G>C. VCF-style: chr7-21615131-G-C. GRCh37 (hg19) VCF-style: chr7-21654749-G-C.
Other names: short protein forms E1290D.
Identifiers: ClinVar variation 416418 (VCV000416418.27), dbSNP rs200954442, ClinGen allele CA4179811.